The following is an entry in ClinVar:

NM_024721.5(ZFHX4):c.7112A>C (p.Asp2371Ala)

Gene: ZFHX4 (zinc finger homeobox 4; plus strand). Cytogenetic location: 8q21.13.
Variant type: single nucleotide variant.
Coding change: c.7112A>C on transcript NM_024721.5 (MANE Select); coding-DNA position 7112, A replaced by C.
Protein change: p.Asp2371Ala; replaces aspartic acid 2371 with alanine.
Molecular consequence: missense variant.
Genome position (GRCh38, 1-based): chr8:76,854,033, A>C. VCF-style: chr8-76854033-A-C. GRCh37 (hg19) VCF-style: chr8-77766269-A-C.
Other names: c.7034A>C, p.Asp2345Ala (NM_001410934.1); short protein forms D2345A, D2371A.
Identifiers: ClinVar variation 5039726 (VCV005039726.1).
Genomic context (GRCh38, chr8:76,854,033, plus strand): 5'-ACTCCATGGATGCCACTGATCAAGTGGTATACAAGCATTGCACAGTGTCTGGCCAAACGG[A>C]TGCAGCTAAAAACGCTGCTGCCCCTGCAGCAAGTTCTGGCTCTGGGACCAGCACCCCCCT-3'
Protein context (NP_078997.4, residues 2361-2381): YKHCTVSGQT[Asp2371Ala]AAKNAAAPAA

ClinVar aggregate classification (germline): Likely benign (1 of 4 stars; one submission).

gnomAD v4.1: 8 of 1,613,806 alleles (0.0005%); highest among the groups gnomAD compares: South Asian, 0.0088%; no homozygotes.

Submission:

CeGaT Center for Human Genetics Tuebingen
Classification: Likely benign. Last evaluated: 2026-07-01. Review status: criteria provided, single submitter. Criteria: CeGaT Center For Human Genetics Tuebingen Variant Classification Criteria Version 2. Collection method: clinical testing. Allele origin: germline. Affected: yes. Observed: 1 variant allele.
Comment: ZFHX4: BP4